The following is an entry in ClinVar:

ClinVar aggregate classification (germline): Uncertain significance (1 of 4 stars; one submission).

Submission:

Ambry Genetics
Classification: Uncertain significance. Last evaluated: 2023-02-12. Review status: criteria provided, single submitter. Criteria: Ambry Variant Classification Scheme 2023. Collection method: clinical testing. Allele origin: germline.
Comment: The p.L382V variant (also known as c.1144C>G), located in coding exon 8 of the POLQ gene, results from a C to G substitution at nucleotide position 1144. The leucine at codon 382 is replaced by valine, an amino acid with highly similar properties. This amino acid position is conserved. In addition, this alteration is predicted to be tolerated by in silico analysis. Since supporting evidence is limited at this time, the clinical significance of this alteration remains unclear.

NM_199420.4(POLQ):c.1144C>G (p.Leu382Val)

Gene: POLQ (DNA polymerase theta; minus strand). Cytogenetic location: 3q13.33.
Variant type: single nucleotide variant.
Coding change: c.1144C>G on transcript NM_199420.4 (MANE Select); coding-DNA position 1144, C replaced by G.
Protein change: p.Leu382Val; replaces leucine 382 with valine.
Molecular consequence: missense variant.
Genome position (GRCh38, 1-based): chr3:121,522,114, G>C on the plus strand (C>G on the coding strand, the complement: POLQ is on the minus strand). VCF-style: chr3-121522114-G-C. GRCh37 (hg19) VCF-style: chr3-121240961-G-C.
Other names: short protein forms L382V.
Identifiers: ClinVar variation 2497209 (VCV002497209.2), dbSNP rs2546811750, ClinGen allele CA354121972.